The following is an entry in ClinVar:

NM_182931.3(KMT2E):c.224C>T (p.Pro75Leu)

Gene: KMT2E (lysine methyltransferase 2E (inactive); plus strand). Cytogenetic location: 7q22.3.
Variant type: single nucleotide variant.
Coding change: c.224C>T on transcript NM_182931.3 (MANE Select); coding-DNA position 224, C replaced by T.
Protein change: p.Pro75Leu; replaces proline 75 with leucine.
Molecular consequence: missense variant.
Genome position (GRCh38, 1-based): chr7:105,063,388, C>T. VCF-style: chr7-105063388-C-T. GRCh37 (hg19) VCF-style: chr7-104703835-C-T.
Other names: c.224C>T, p.Pro75Leu (NM_001410908.1, NM_018682.4); short protein forms P75L.
Identifiers: ClinVar variation 2136009 (VCV002136009.3), dbSNP rs1234381772, ClinGen allele CA368774419.

ClinVar aggregate classification (germline): Uncertain significance. Review status: criteria provided, multiple submitters, no conflicts (2 of 4 stars). 2 submissions from 2 submitters: Uncertain significance (2). Last evaluated 2025-11-26.

Conditions:
Inborn genetic diseases. Identifiers: MedGen C0950123, MeSH D030342.

Allele frequency attached by ClinVar (database versions not stated): gnomAD exomes below 0.00001.
gnomAD v4.1: 5 of 1,612,974 alleles (0.00031%); highest among the groups gnomAD compares: Non-Finnish European, 0.00042%; no homozygotes.

Submissions (2):

Ambry Genetics
Classification: Uncertain significance for Inborn genetic diseases. Last evaluated: 2025-11-26. Review status: criteria provided, single submitter. Criteria: Ambry Variant Classification Scheme 2023. Collection method: clinical testing. Allele origin: germline.
Comment: The c.224C>T (p.P75L) alteration is located in exon 5 (coding exon 3) of the KMT2E gene. This alteration results from a C to T substitution at nucleotide position 224, causing the proline (P) at amino acid position 75 to be replaced by a leucine (L). Based on data from gnomAD, the T allele has an overall frequency of <0.001% (1/249864) total alleles studied. The highest observed frequency was 0.001% (1/113180) of European (non-Finnish) alleles. Based on insufficient or conflicting evidence, the clinical significance of this alteration remains unclear.

GeneDx
Classification: Uncertain significance. Last evaluated: 2024-02-23. Review status: criteria provided, single submitter. Criteria: GeneDx Variant Classification Process June 2021. Collection method: clinical testing. Allele origin: germline. Affected: yes.
Comment: In silico analysis supports that this missense variant has a deleterious effect on protein structure/function; Has not been previously published as pathogenic or benign to our knowledge